The following is an entry in ClinVar:

ClinVar aggregate classification (germline): Likely benign. Review status: criteria provided, single submitter (1 of 4 stars). 2 submissions from 2 submitters: Likely benign (1). 1 of the submissions does not count toward it. Last evaluated 2022-03-11.

Conditions:
CACNA1B-related disorder. Also called: CACNA1B-related condition.

Allele frequency attached by ClinVar (database versions not stated): gnomAD 0.00003; TOPMed 0.00004; ExAC 0.00023.

Submissions (2):

Blueprint Genetics
Classification: Likely benign. Last evaluated: 2022-03-11. Review status: criteria provided, single submitter. Criteria: ACMG Guidelines, 2015. Collection method: clinical testing. Allele origin: germline.

PreventionGenetics, part of Exact Sciences
Classification: Likely benign for CACNA1B-related condition. Last evaluated: 2019-08-09. Review status: no assertion criteria provided. Collection method: clinical testing. Allele origin: germline. Not counted in ClinVar's aggregate classification.
Comment: This variant is classified as likely benign based on ACMG/AMP sequence variant interpretation guidelines (Richards et al. 2015 PMID: 25741868, with internal and published modifications).

NM_000718.4(CACNA1B):c.108G>A (p.Gly36=)

Genes: CACNA1B (calcium voltage-gated channel subunit alpha1 B; plus strand), CACNA1B-AS2 (CACNA1B antisense RNA 2; minus strand). Cytogenetic location: 9q34.3.
Variant type: single nucleotide variant.
Coding change: c.108G>A on transcript NM_000718.4 (MANE Select); coding-DNA position 108, G replaced by A.
Protein change: p.Gly36=; no amino-acid change (glycine 36 retained).
Molecular consequence: synonymous variant.
Genome position (GRCh38, 1-based): chr9:137,878,041, G>A. VCF-style: chr9-137878041-G-A. GRCh37 (hg19) VCF-style: chr9-140772493-G-A.
Other names: c.108G>A, p.Gly36= (NM_001243812.2).
Identifiers: ClinVar variation 3035408 (VCV003035408.3), dbSNP rs775276054, ClinGen allele CA5375618.